The following is an entry in ClinVar:

NM_000540.3(RYR1):c.*6C>T

Gene: RYR1 (ryanodine receptor 1; plus strand). Cytogenetic location: 19q13.2.
Variant type: single nucleotide variant.
Coding change: c.*6C>T on transcript NM_000540.3 (MANE Select); 6 bases downstream of the stop codon, C replaced by T.
Molecular consequence: 3 prime UTR variant.
Genome position (GRCh38, 1-based): chr19:38,587,426, C>T. VCF-style: chr19-38587426-C-T. GRCh37 (hg19) VCF-style: chr19-39078066-C-T.
Other names: c.*6C>T (NM_001042723.2).
Identifiers: ClinVar variation 3073517 (VCV003073517.1), dbSNP rs1375923311, ClinGen allele CA2584911816.
Genomic context (GRCh38, chr19:38,587,426, plus strand): 5'-TTTCTTCCCAGCTGGTGATTGTTTCCGTAAGCAGTATGAGGACCAGCTTAGCTGACACAC[C>T]CCCAGCTGGCCCTCCACCCCCACCTCAAGTGCCTTATTCTCACAGCAAGCCCCTTAGTCC-3'

ClinVar aggregate classification (germline): Uncertain significance (1 of 4 stars; one submission).

Conditions:
Malignant hyperthermia, susceptibility to, 1 (MHS1). Also called: Anesthesia related hyperthermia; Malignant hyperpyrexia; Fulminating hyperpyrexia; Pharmacogenic myopathy; RYR1-Related Malignant Hyperthermia Susceptibility; Malignant hyperthermia suceptibility 1. Identifiers: Orphanet 423, MedGen C2930980, MONDO:0007783, OMIM 145600.

gnomAD v4.1: 2 of 1,608,822 alleles (0.00012%); highest among the groups gnomAD compares: South Asian, 0.0022%; no homozygotes.

Submission:

All of Us Research Program, National Institutes of Health
Classification: Uncertain significance for Malignant hyperthermia, susceptibility to, 1. Last evaluated: 2023-10-02. Review status: criteria provided, single submitter. Criteria: ACMG Guidelines, 2015. Collection method: clinical testing. Allele origin: germline. Inheritance: Autosomal dominant inheritance. Observed: 1 variant allele, 1 heterozygote.
Comment: This variant is located in the 3' untranslated region of the RYR1 gene. To our knowledge, functional studies have not been reported for this variant. This variant has not been reported in individuals affected with RYR1-related disorders in the literature. This variant has not been identified in the general population by the Genome Aggregation Database (gnomAD). The available evidence is insufficient to determine the role of this variant in disease conclusively. Therefore, this variant is classified as a Variant of Uncertain Significance.

This study involves interpretation of variants in research participants for the purpose of population health screening. Participant phenotype was not available at the time of variant classification. Additional details can be found in publication PMID: 35346344, PMCID: PMC8962531